The following is an entry in ClinVar:

ClinVar aggregate classification (germline): Uncertain significance (1 of 4 stars; one submission).

Allele frequency attached by ClinVar (database versions not stated): TOPMed below 0.00001; gnomAD 0.00001; gnomAD exomes 0.00001.
gnomAD v4.1: 6 of 1,609,864 alleles (0.00037%); highest among the groups gnomAD compares: Non-Finnish European, 0.00051%; no homozygotes.

Submission:

Labcorp Genetics (formerly Invitae), Labcorp
Classification: Uncertain significance. Last evaluated: 2022-05-04. Review status: criteria provided, single submitter. Criteria: Invitae Variant Classification Sherloc (09022015). Collection method: clinical testing. Allele origin: germline.
Comment: In summary, the available evidence is currently insufficient to determine the role of this variant in disease. Therefore, it has been classified as a Variant of Uncertain Significance. Algorithms developed to predict the effect of missense changes on protein structure and function are either unavailable or do not agree on the potential impact of this missense change (SIFT: "Not Available"; PolyPhen-2: "Probably Damaging"; Align-GVGD: "Not Available"). This variant has not been reported in the literature in individuals affected with MYO18B-related conditions. This variant is present in population databases (no rsID available, gnomAD 0.002%). This sequence change replaces leucine, which is neutral and non-polar, with isoleucine, which is neutral and non-polar, at codon 1665 of the MYO18B protein (p.Leu1665Ile).

NM_032608.7(MYO18B):c.4993C>A (p.Leu1665Ile)

Gene: MYO18B (myosin XVIIIB; plus strand). Cytogenetic location: 22q12.1.
Variant type: single nucleotide variant.
Coding change: c.4993C>A on transcript NM_032608.7 (MANE Select); coding-DNA position 4993, C replaced by A.
Protein change: p.Leu1665Ile; replaces leucine 1665 with isoleucine.
Molecular consequence: missense variant.
Genome position (GRCh38, 1-based): chr22:25,903,676, C>A. VCF-style: chr22-25903676-C-A. GRCh37 (hg19) VCF-style: chr22-26299643-C-A.
Other names: c.4996C>A, p.Leu1666Ile (NM_001318245.2); short protein forms L1665I, L1666I.
Identifiers: ClinVar variation 1937176 (VCV001937176.5), dbSNP rs1224538539, ClinGen allele CA411013390.
Genomic context (GRCh38, chr22:25,903,676, plus strand): 5'-TCTTTGTCTCTGTAGCAAAAGGAGCAGGAAGCCTCACAGCTGAAGCAGCAGGTGGAGATG[C>A]TACAGGACCATAAACGGGAGCTGCTGGGGTCACCCTCTCTGGGGGAAAATTGCGTTGCTG-3'
Protein context (NP_115997.5, residues 1655-1675): ASQLKQQVEM[Leu1665Ile]QDHKRELLGS